The following is an entry in ClinVar:

NM_001365276.2(TNXB):c.8938G>A (p.Asp2980Asn)

Gene: TNXB (tenascin XB; minus strand). Cytogenetic location: 6p21.33.
Variant type: single nucleotide variant.
Coding change: c.8938G>A on transcript NM_001365276.2 (MANE Select); coding-DNA position 8938, G replaced by A.
Protein change: p.Asp2980Asn; replaces aspartic acid 2980 with asparagine.
Molecular consequence: missense variant.
Genome position (GRCh38, 1-based): chr6:32,052,847, C>T on the plus strand (G>A on the coding strand, the complement: TNXB is on the minus strand). VCF-style: chr6-32052847-C-T. GRCh37 (hg19) VCF-style: chr6-32020624-C-T.
Other names: c.8932G>A, p.Asp2978Asn (NM_019105.8); short protein forms D2978N, D2980N.
Identifiers: ClinVar variation 1765162 (VCV001765162.4), dbSNP rs750418889, ClinGen allele CA3733701.

ClinVar aggregate classification (germline): Uncertain significance. Review status: criteria provided, multiple submitters, no conflicts (2 of 4 stars). 2 submissions from 2 submitters: Uncertain significance (2). Last evaluated 2025-05-28.

Conditions:
Cardiovascular phenotype. Identifiers: MedGen CN230736.

Allele frequency attached by ClinVar (database versions not stated): gnomAD 0.00002; gnomAD exomes 0.00002; ExAC 0.00003; TOPMed 0.00004.
gnomAD v4.1: 27 of 1,613,296 alleles (0.0017%); highest among the groups gnomAD compares: Middle Eastern, 0.017%; no homozygotes.

Submissions (2):

Women's Health and Genetics/Laboratory Corporation of America, LabCorp
Classification: Uncertain significance. Last evaluated: 2025-05-28. Review status: criteria provided, single submitter. Criteria: LabCorp Variant Classification Summary - May 2015. Collection method: clinical testing. Allele origin: germline.
Comment: Variant summary: TNXB c.8932G>A (p.Asp2978Asn) results in a conservative amino acid change located in the Fibronectin type III repeat region (IPR003961) of the encoded protein sequence. Algorithms developed to predict the effect of missense changes on protein structure and function all suggest that this variant is likely to be tolerated. The variant allele was found at a frequency of 1.6e-05 in 1606386 control chromosomes in the gnomAD database (v4.1 dataset). This frequency is not significantly higher than estimated for a pathogenic variant in TNXB causing Ehlers-Danlos syndrome due to tenascin-X deficiency (1.6e-05 vs 0.0011), allowing no conclusion about variant significance. To our knowledge, no occurrence of c.8932G>A in individuals affected with Ehlers-Danlos syndrome due to tenascin-X deficiency and no experimental evidence demonstrating its impact on protein function have been reported. ClinVar contains an entry for this variant (Variation ID: 1765162). Based on the evidence outlined above, the variant was classified as uncertain significance.

Ambry Genetics
Classification: Uncertain significance for Cardiovascular phenotype. Last evaluated: 2024-07-17. Review status: criteria provided, single submitter. Criteria: Ambry Variant Classification Scheme 2023. Collection method: clinical testing. Allele origin: germline.
Comment: The p.D2978N variant (also known as c.8932G>A), located in coding exon 25 of the TNXB gene, results from a G to A substitution at nucleotide position 8932. The aspartic acid at codon 2978 is replaced by asparagine, an amino acid with highly similar properties. This amino acid position is highly conserved in available vertebrate species. In addition, this alteration is predicted to be tolerated by in silico analysis. Since supporting evidence is limited at this time, the clinical significance of this alteration remains unclear.